The following is an entry in ClinVar:

ClinVar aggregate classification (germline): Uncertain significance (1 of 4 stars; one submission).

Allele frequency attached by ClinVar (database versions not stated): gnomAD 0.00001; gnomAD exomes 0.00001; ExAC 0.00002; TOPMed 0.00002.
gnomAD v4.1: 21 of 1,613,872 alleles (0.0013%); highest among the groups gnomAD compares: Admixed American, 0.0083%; no homozygotes.

Submission:

Labcorp Genetics (formerly Invitae), Labcorp
Classification: Uncertain significance. Last evaluated: 2022-06-08. Review status: criteria provided, single submitter. Criteria: Invitae Variant Classification Sherloc (09022015). Collection method: clinical testing. Allele origin: germline.
Comment: This sequence change replaces arginine, which is basic and polar, with tryptophan, which is neutral and slightly polar, at codon 898 of the LIG1 protein (p.Arg898Trp). This variant is present in population databases (rs201890024, gnomAD 0.01%). This variant has not been reported in the literature in individuals affected with LIG1-related conditions. Algorithms developed to predict the effect of missense changes on protein structure and function output the following: SIFT: "Deleterious"; PolyPhen-2: "Benign"; Align-GVGD: "Class C0". The tryptophan amino acid residue is found in multiple mammalian species, which suggests that this missense change does not adversely affect protein function. In summary, the available evidence is currently insufficient to determine the role of this variant in disease. Therefore, it has been classified as a Variant of Uncertain Significance.

NM_000234.3(LIG1):c.2692C>T (p.Arg898Trp)

Gene: LIG1 (DNA ligase 1; minus strand). Cytogenetic location: 19q13.33.
Variant type: single nucleotide variant.
Coding change: c.2692C>T on transcript NM_000234.3 (MANE Select); coding-DNA position 2692, C replaced by T.
Protein change: p.Arg898Trp; replaces arginine 898 with tryptophan.
Molecular consequence: missense variant. On other transcripts: non-coding transcript variant (6).
Genome position (GRCh38, 1-based): chr19:48,115,717, G>A on the plus strand (C>T on the coding strand, the complement: LIG1 is on the minus strand). VCF-style: chr19-48115717-G-A. GRCh37 (hg19) VCF-style: chr19-48618974-G-A.
Other names: c.2599C>T, p.Arg867Trp (NM_001289063.2); c.2488C>T, p.Arg830Trp (NM_001289064.2); c.2689C>T, p.Arg897Trp (NM_001320970.2); c.2602C>T, p.Arg868Trp (NM_001320971.2); short protein forms R867W, R830W, R868W, R897W, R898W.
Identifiers: ClinVar variation 1910178 (VCV001910178.2), dbSNP rs201890024, ClinGen allele CA9546293.